The following is an entry in ClinVar:

NM_173354.5(SIK1):c.1119+6G>C

Gene: SIK1 (salt inducible kinase 1; minus strand). Cytogenetic location: 21q22.3.
Variant type: single nucleotide variant.
Coding change: c.1119+6G>C on transcript NM_173354.5 (MANE Select); 6 bases into the intron after coding-DNA position 1119, G replaced by C.
Molecular consequence: intron variant.
Genome position (GRCh38, 1-based): chr21:43,419,853, C>G on the plus strand (G>C on the coding strand, the complement: SIK1 is on the minus strand). VCF-style: chr21-43419853-C-G. GRCh37 (hg19) VCF-style: chr21-44839733-C-G.
Identifiers: ClinVar variation 956593 (VCV000956593.10), dbSNP rs2081049173, ClinGen allele CA1139666893.

ClinVar aggregate classification (germline): Uncertain significance (1 of 4 stars; one submission).

Conditions:
Developmental and epileptic encephalopathy, 30 (DEE30). Also called: Epileptic encephalopathy, early infantile, 30. Identifiers: MedGen C4225360, MONDO:0014595, OMIM 616341.

Submission:

Labcorp Genetics (formerly Invitae), Labcorp
Classification: Uncertain significance for Developmental and epileptic encephalopathy, 30. Last evaluated: 2020-07-16. Review status: criteria provided, single submitter. Criteria: Invitae Variant Classification Sherloc (09022015). Collection method: clinical testing. Allele origin: germline.
Comment: Nucleotide substitutions within the consensus splice site are a relatively common cause of aberrant splicing (PMID: 17576681, 9536098). Algorithms developed to predict the effect of sequence changes on RNA splicing suggest that this variant is not likely to affect RNA splicing, but this prediction has not been confirmed by published transcriptional studies. This variant has not been reported in the literature in individuals with SIK1-related conditions. This variant is not present in population databases (ExAC no frequency). This sequence change falls in intron 9 of the SIK1 gene. It does not directly change the encoded amino acid sequence of the SIK1 protein, but it affects a nucleotide within the consensus splice site of the intron. In summary, the available evidence is currently insufficient to determine the role of this variant in disease. Therefore, it has been classified as a Variant of Uncertain Significance.

Literature cited by the submitters: PubMed 17576681; PubMed 9536098.